The following is an entry in ClinVar:

NM_001330078.2(NRXN1):c.3002A>C (p.His1001Pro)

Gene: NRXN1 (neurexin 1; minus strand). Cytogenetic location: 2p16.3.
Variant type: single nucleotide variant.
Coding change: c.3002A>C on transcript NM_001330078.2 (MANE Select); coding-DNA position 3002, A replaced by C.
Protein change: p.His1001Pro; replaces histidine 1001 with proline.
Molecular consequence: missense variant.
Genome position (GRCh38, 1-based): chr2:50,495,973, T>G on the plus strand (A>C on the coding strand, the complement: NRXN1 is on the minus strand). VCF-style: chr2-50495973-T-G. GRCh37 (hg19) VCF-style: chr2-50723111-T-G.
Other names: c.3122A>C, p.His1041Pro (NM_001135659.3); c.2978A>C, p.His993Pro (NM_001330077.2, NM_001330082.2); c.2936A>C, p.His979Pro (NM_001330083.2, NM_001330084.2); c.2975A>C, p.His992Pro (NM_001330085.2); c.3002A>C, p.His1001Pro (NM_001330086.2, NM_004801.6); c.2891A>C, p.His964Pro (NM_001330087.2, NM_001330096.2); c.2921A>C, p.His974Pro (NM_001330088.2); c.2999A>C, p.His1000Pro (NM_001330093.2); and 2 more; short protein forms H974P, H984P, H1000P, H997P, H1001P, H964P, H992P, H993P.
Identifiers: ClinVar variation 2758128 (VCV002758128.3), dbSNP rs2468898708, ClinGen allele CA346776376.

ClinVar aggregate classification (germline): Uncertain significance (1 of 4 stars; one submission).

Conditions:
Pitt-Hopkins-like syndrome 2 (PTHSL2). Identifiers: Orphanet 221150, Orphanet 600663, MedGen C3280479, MONDO:0013690, OMIM 614325.

Submission:

Labcorp Genetics (formerly Invitae), Labcorp
Classification: Uncertain significance for Pitt-Hopkins-like syndrome 2. Last evaluated: 2023-09-05. Review status: criteria provided, single submitter. Criteria: Invitae Variant Classification Sherloc (09022015). Collection method: clinical testing. Allele origin: germline.
Comment: In summary, the available evidence is currently insufficient to determine the role of this variant in disease. Therefore, it has been classified as a Variant of Uncertain Significance. Advanced modeling of protein sequence and biophysical properties (such as structural, functional, and spatial information, amino acid conservation, physicochemical variation, residue mobility, and thermodynamic stability) performed at Invitae indicates that this missense variant is not expected to disrupt NRXN1 protein function. This variant has not been reported in the literature in individuals affected with NRXN1-related conditions. This variant is not present in population databases (gnomAD no frequency). This sequence change replaces histidine, which is basic and polar, with proline, which is neutral and non-polar, at codon 1041 of the NRXN1 protein (p.His1041Pro).